The following is an entry in ClinVar:

NM_004035.7(ACOX1):c.375G>T (p.Met125Ile)

Gene: ACOX1 (acyl-CoA oxidase 1; minus strand). Cytogenetic location: 17q25.1.
Variant type: single nucleotide variant.
Coding change: c.375G>T on transcript NM_004035.7 (MANE Select); coding-DNA position 375, G replaced by T.
Protein change: p.Met125Ile; replaces methionine 125 with isoleucine.
Molecular consequence: missense variant. On other transcripts: intron variant (1).
Genome position (GRCh38, 1-based): chr17:75,960,270, C>A on the plus strand (G>T on the coding strand, the complement: ACOX1 is on the minus strand). VCF-style: chr17-75960270-C-A. GRCh37 (hg19) VCF-style: chr17-73956351-C-A.
Other names: c.261G>T, p.Met87Ile (NM_001185039.2); c.431-2704G>T (NM_007292.6); short protein forms M87I, M125I.
Identifiers: ClinVar variation 2087980 (VCV002087980.4), dbSNP rs2065875120, ClinGen allele CA401071439.
Genomic context (GRCh38, chr17:75,960,270, plus strand): 5'-CATACCATGACCCATCTCTGTCTGGGCATAAGTGCCAATGATCTCCAAGTTCCAGGCGGG[C>A]ATGAAGAAGCGCTCCTGCTGCTCCGCAGTTGCCTGGTGAAGCAAGGTGGGCAGGAACATG-3'
Protein context (NP_004026.2, residues 115-135): ATAEQQERFF[Met125Ile]PAWNLEIIGT

ClinVar aggregate classification (germline): Uncertain significance (1 of 4 stars; one submission).

Conditions:
Acyl-CoA oxidase deficiency. Also called: STRAIGHT-CHAIN ACYL-CoA OXIDASE DEFICIENCY; Peroxisomal acyl-CoA oxidase deficiency; Pseudoneonatal adrenoleukodystrophy. Identifiers: Orphanet 2971, MedGen C1849678, MONDO:0009919, OMIM 264470. Disease mechanism: loss of function.

Submission:

Labcorp Genetics (formerly Invitae), Labcorp
Classification: Uncertain significance for Acyl-CoA oxidase deficiency. Last evaluated: 2022-08-21. Review status: criteria provided, single submitter. Criteria: Invitae Variant Classification Sherloc (09022015). Collection method: clinical testing. Allele origin: germline.
Comment: This variant is not present in population databases (gnomAD no frequency). In summary, the available evidence is currently insufficient to determine the role of this variant in disease. Therefore, it has been classified as a Variant of Uncertain Significance. Algorithms developed to predict the effect of missense changes on protein structure and function output the following: SIFT: "Tolerated"; PolyPhen-2: "Benign"; Align-GVGD: "Class C0". The isoleucine amino acid residue is found in multiple mammalian species, which suggests that this missense change does not adversely affect protein function. This variant has not been reported in the literature in individuals affected with ACOX1-related conditions. This sequence change replaces methionine, which is neutral and non-polar, with isoleucine, which is neutral and non-polar, at codon 125 of the ACOX1 protein (p.Met125Ile).